The following is an entry in ClinVar:

NM_001457.4(FLNB):c.5990C>T (p.Ser1997Leu)

Gene: FLNB (filamin B; plus strand). Cytogenetic location: 3p14.3.
Variant type: single nucleotide variant.
Coding change: c.5990C>T on transcript NM_001457.4 (MANE Select); coding-DNA position 5990, C replaced by T.
Protein change: p.Ser1997Leu; replaces serine 1997 with leucine.
Molecular consequence: missense variant.
Genome position (GRCh38, 1-based): chr3:58,148,751, C>T. VCF-style: chr3-58148751-C-T. GRCh37 (hg19) VCF-style: chr3-58134478-C-T.
Other names: c.6083C>T, p.Ser2028Leu (NM_001164317.2); c.5957C>T, p.Ser1986Leu (NM_001164318.2); c.5918C>T, p.Ser1973Leu (NM_001164319.2); short protein forms S2028L, S1973L, S1986L, S1997L.
Identifiers: ClinVar variation 1989123 (VCV001989123.17), dbSNP rs1477364112, ClinGen allele CA353356298.

ClinVar aggregate classification (germline): Uncertain significance. Review status: criteria provided, multiple submitters, no conflicts (2 of 4 stars). 2 submissions from 2 submitters: Uncertain significance (2). Last evaluated 2025-05-19.

Allele frequency attached by ClinVar (database versions not stated): TOPMed below 0.00001; gnomAD 0.00002.
gnomAD v4.1: 9 of 1,613,874 alleles (0.00056%); highest among the groups gnomAD compares: East Asian, 0.0022%; no homozygotes.

Submissions (2):

Labcorp Genetics (formerly Invitae), Labcorp
Classification: Uncertain significance. Last evaluated: 2025-05-19. Review status: criteria provided, single submitter. Criteria: Invitae Variant Classification Sherloc (09022015). Collection method: clinical testing. Allele origin: germline.
Comment: This sequence change replaces serine, which is neutral and polar, with leucine, which is neutral and non-polar, at codon 1997 of the FLNB protein (p.Ser1997Leu). This variant is present in population databases (no rsID available, gnomAD 0.005%). This variant has not been reported in the literature in individuals affected with FLNB-related conditions. ClinVar contains an entry for this variant (Variation ID: 1989123). Invitae Evidence Modeling of protein sequence and biophysical properties (such as structural, functional, and spatial information, amino acid conservation, physicochemical variation, residue mobility, and thermodynamic stability) indicates that this missense variant is not expected to disrupt FLNB protein function with a negative predictive value of 95%. In summary, the available evidence is currently insufficient to determine the role of this variant in disease. Therefore, it has been classified as a Variant of Uncertain Significance.

CeGaT Center for Human Genetics Tuebingen
Classification: Uncertain significance. Last evaluated: 2025-01-01. Review status: criteria provided, single submitter. Criteria: CeGaT Center For Human Genetics Tuebingen Variant Classification Criteria Version 2. Collection method: clinical testing. Allele origin: germline. Affected: yes. Observed: 1 variant allele.
Comment: FLNB: PM2, PP3